The following is an entry in ClinVar:

NM_017777.4(MKS1):c.884_885del (p.Leu295fs)

Gene: MKS1 (MKS transition zone complex subunit 1; minus strand). Cytogenetic location: 17q22.
Variant type: Microsatellite.
Coding change: c.884_885del on transcript NM_017777.4 (MANE Select); coding-DNA positions 884 to 885, 2 bases deleted (TC; older notation c.884_885delTC).
Protein change: p.Leu295fs; shifts the reading frame from leucine 295.
Molecular consequence: frameshift variant.
Genome position (GRCh38, 1-based): chr17:58,212,408-58,212,409, GA deleted on the plus strand (TC on the coding strand, the reverse complement: MKS1 is on the minus strand); deleting any 2 consecutive bases within chr17:58,212,408-58,212,411 gives the same sequence; the c. name uses the placement nearest the transcript's 3' end. VCF-style (leftmost placement, unchanged base first): chr17-58212407-TGA-T. GRCh37 (hg19) VCF-style: chr17-56289768-TGA-T.
Other names: c.275_276del, p.Leu92fs (NM_001321268.2); c.884_885del, p.Leu295fs (NM_001321269.2, NM_001330397.2, NM_001411113.1); short protein forms L295fs, L92fs.
Identifiers: ClinVar variation 3757642 (VCV003757642.2).
Genomic context (GRCh38, chr17:58,212,407, plus strand): 5'-TCACAGTGCTGCAGGAAGCCAAGCTACTCACCATCTCAAAGTCGGTGCCTACGAGGCTGC[TGA>T]GATACTCCTTGTGCCGGCCATAAAGCTGAGGAAACAAACCAAACCAAAACTCAAGATGCA-3'

ClinVar aggregate classification (germline): Pathogenic (1 of 4 stars; one submission).

Conditions:
Joubert syndrome. Also called: CEREBELLOPARENCHYMAL DISORDER IV; JOUBERT-BOLTSHAUSER SYNDROME; Familial aplasia of the vermis. Identifiers: Orphanet 475, MedGen C5979921, MONDO:0018772.
Meckel-Gruber syndrome. Also called: DYSENCEPHALIA SPLANCHNOCYSTICA; GRUBER SYNDROME; Dysencephalia splachnocystica. Identifiers: Orphanet 564, MedGen C0265215, MONDO:0018921.

Submission:

Labcorp Genetics (formerly Invitae), Labcorp
Classification: Pathogenic for Joubert syndrome; Meckel-Gruber syndrome. Last evaluated: 2025-02-17. Review status: criteria provided, single submitter. Criteria: Invitae Variant Classification Sherloc (09022015). Collection method: clinical testing. Allele origin: germline.
Comment: This sequence change creates a premature translational stop signal (p.Leu295Glnfs*9) in the MKS1 gene. It is expected to result in an absent or disrupted protein product. Loss-of-function variants in MKS1 are known to be pathogenic (PMID: 19466712, 24886560, 26490104). This variant is not present in population databases (gnomAD no frequency). This variant has not been reported in the literature in individuals affected with MKS1-related conditions. For these reasons, this variant has been classified as Pathogenic.

Literature cited by the submitters: PubMed 19466712; PubMed 24886560; PubMed 26490104.